The following is an entry in ClinVar:

NM_000540.3(RYR1):c.6116T>G (p.Leu2039Arg)

Gene: RYR1 (ryanodine receptor 1; plus strand). Cytogenetic location: 19q13.2.
Variant type: single nucleotide variant.
Coding change: c.6116T>G on transcript NM_000540.3 (MANE Select); coding-DNA position 6116, T replaced by G.
Protein change: p.Leu2039Arg; replaces leucine 2039 with arginine.
Molecular consequence: missense variant.
Genome position (GRCh38, 1-based): chr19:38,490,721, T>G. VCF-style: chr19-38490721-T-G. GRCh37 (hg19) VCF-style: chr19-38981361-T-G.
Other names: c.6116T>G, p.Leu2039Arg (NM_001042723.2); short protein forms L2039R.
Identifiers: ClinVar variation 4530972 (VCV004530972.1).
Genomic context (GRCh38, chr19:38,490,721, plus strand): 5'-AAGACTGTCCTCTCCCTGAAGAGATTCGACAGGATTTGCTTGACTTTCATCAAGACCTGC[T>G]GGCACACTGTGGTAAGGAGTGGGGATCAGAGAGTCCTCCCCATGCTAACTTTCTCTCGAG-3'
Protein context (NP_000531.2, residues 2029-2049): QDLLDFHQDL[Leu2039Arg]AHCGIQLDGE

ClinVar aggregate classification (germline): Uncertain significance (1 of 4 stars; one submission).

Submission:

GeneDx
Classification: Uncertain significance. Last evaluated: 2025-05-19. Review status: criteria provided, single submitter. Criteria: GeneDx Variant Classification Process June 2021. Collection method: clinical testing. Allele origin: germline. Affected: yes.
Comment: Not observed at significant frequency in large population cohorts (gnomAD); In silico analysis supports that this missense variant has a deleterious effect on protein structure/function; Has not been previously published as pathogenic or benign to our knowledge